The following is an entry in ClinVar:

NM_000090.4(COL3A1):c.4300C>T (p.Arg1434Cys)

Gene: COL3A1 (collagen type III alpha 1 chain; plus strand). Cytogenetic location: 2q32.2.
Variant type: single nucleotide variant.
Coding change: c.4300C>T on transcript NM_000090.4 (MANE Select); coding-DNA position 4300, C replaced by T.
Protein change: p.Arg1434Cys; replaces arginine 1434 with cysteine.
Molecular consequence: missense variant.
Genome position (GRCh38, 1-based): chr2:189,011,673, C>T. VCF-style: chr2-189011673-C-T. GRCh37 (hg19) VCF-style: chr2-189876399-C-T.
Other names: short protein forms R1434C.
Identifiers: ClinVar variation 263882 (VCV000263882.19), dbSNP rs747324731, ClinGen allele CA076558.

ClinVar aggregate classification (germline): Conflicting classifications of pathogenicity. Review status: criteria provided, conflicting classifications (1 of 4 stars). 8 submissions from 8 submitters: Uncertain significance (7); Likely benign (1). Last evaluated 2026-04-16.

Conditions:
Cardiovascular phenotype. Identifiers: MedGen CN230736.
Familial thoracic aortic aneurysm and aortic dissection (TAAD). Also called: Thoracic aortic aneurysms and dissections. Identifiers: Orphanet 91387, MedGen C4707243, MONDO:0019625.
Ehlers-Danlos syndrome, type 4 (EDSVASC). Also called: Ehlers-Danlos syndrome vascular type; Ehlers Danlos syndrome, ecchymotic type; Ehlers Danlos syndrome, arterial type; Ehlers Danlos syndrome, Sack-Barabas type; Ehlers-Danlos Syndrome Type IV. Identifiers: Orphanet 286, MedGen C0268338, MONDO:0017314, OMIM 130050.

Allele frequency attached by ClinVar (database versions not stated): TOPMed below 0.00001; gnomAD 0.00001; ExAC 0.00002; gnomAD exomes 0.00003 and 0.00004.
gnomAD v4.1: 42 of 1,613,850 alleles (0.0026%); highest among the groups gnomAD compares: South Asian, 0.011%; no homozygotes.

Submissions (8):

Dasa
Classification: Uncertain significance. Last evaluated: 2026-04-16. Review status: criteria provided, single submitter. Criteria: DASA Assertion Criteria. Collection method: clinical testing. Allele origin: germline.
Comment: NM_000090.4(COL3A1):c.4300C>T (p.Arg1434Cys) is a missense variant that results in the substitution of arginine with cysteine. This variant is rare in population databases. The currently available literature and clinical evidence are not sufficient to establish a definitive association between this variant and the reported condition. Therefore, this variant is classified as a variant of uncertain significance.

Labcorp Genetics (formerly Invitae), Labcorp
Classification: Uncertain significance for Ehlers-Danlos syndrome, type 4. Last evaluated: 2025-09-21. Review status: criteria provided, single submitter. Criteria: Invitae Variant Classification Sherloc (09022015). Collection method: clinical testing. Allele origin: germline.
Comment: This sequence change replaces arginine, which is basic and polar, with cysteine, which is neutral and slightly polar, at codon 1434 of the COL3A1 protein (p.Arg1434Cys). The frequency data for this variant in the population databases is considered unreliable, as metrics indicate poor data quality at this position in the gnomAD database. This variant has not been reported in the literature in individuals affected with COL3A1-related conditions. ClinVar contains an entry for this variant (Variation ID: 263882). Invitae Evidence Modeling of protein sequence and biophysical properties (such as structural, functional, and spatial information, amino acid conservation, physicochemical variation, residue mobility, and thermodynamic stability) indicates that this missense variant is not expected to disrupt COL3A1 protein function with a negative predictive value of 95%. In summary, the available evidence is currently insufficient to determine the role of this variant in disease. Therefore, it has been classified as a Variant of Uncertain Significance.

Color Diagnostics, LLC DBA Color Health
Classification: Uncertain significance for Familial thoracic aortic aneurysm and aortic dissection. Last evaluated: 2025-01-20. Review status: criteria provided, single submitter. Criteria: ACMG Guidelines, 2015. Collection method: clinical testing. Allele origin: germline.
Comment: This missense variant replaces arginine with cysteine at codon 1434 of the COL3A1 protein. Computational prediction tool is inconclusive regarding the impact of this variant on protein structure and function. To our knowledge, functional studies have not been reported for this variant. This variant has not been reported in individuals affected with COL3A1-related disorders in the literature. This variant has been identified in 9/251340 chromosomes in the general population by the Genome Aggregation Database (gnomAD). The available evidence is insufficient to determine the role of this variant in disease conclusively. Therefore, this variant is classified as a Variant of Uncertain Significance.

All of Us Research Program, National Institutes of Health
Classification: Uncertain significance for Ehlers-Danlos syndrome, type 4. Last evaluated: 2024-05-09. Review status: criteria provided, single submitter. Criteria: ACMG Guidelines, 2015. Collection method: clinical testing. Allele origin: germline. Inheritance: Autosomal dominant inheritance. Observed: 5 variant alleles, 5 heterozygotes.
Comment: This missense variant replaces arginine with cysteine at codon 1434 of the COL3A1 protein. Computational prediction is inconclusive regarding the impact of this variant on protein structure and function (internally defined REVEL score threshold 0.5 < inconclusive < 0.7, PMID: 27666373). Splice site prediction tools suggest that this variant may not impact RNA splicing. To our knowledge, functional studies have not been performed for this variant. This variant has not been reported in individuals affected with cardiovascular disorders in the literature. This variant has not been identified in the general population by the Genome Aggregation Database (gnomAD). The available evidence is insufficient to determine the role of this variant in disease conclusively. Therefore, this variant is classified as a Variant of Uncertain Significance.

This study involves interpretation of variants in research participants for the purpose of population health screening. Participant phenotype was not available at the time of variant classification. Additional details can be found in publication PMID: 35346344, PMCID: PMC8962531

Women's Health and Genetics/Laboratory Corporation of America, LabCorp
Classification: Uncertain significance. Last evaluated: 2023-08-14. Review status: criteria provided, single submitter. Criteria: LabCorp Variant Classification Summary - May 2015. Collection method: clinical testing. Allele origin: germline.
Comment: Variant summary: COL3A1 c.4300C>T (p.Arg1434Cys) results in a non-conservative amino acid change located in the Fibrillar collagen, C-terminal (IPR000885) of the encoded protein sequence. Five of five in-silico tools predict a damaging effect of the variant on protein function. The variant allele was found at a frequency of 3.6e-05 in 251340 control chromosomes (gnomAD). The available data on variant occurrences in the general population are insufficient to allow any conclusion about variant significance. To our knowledge, no occurrence of c.4300C>T in individuals affected with Ehlers-Danlos Syndrome, Vascular Type and no experimental evidence demonstrating its impact on protein function have been reported. Two submitters have cited clinical-significance assessments for this variant to ClinVar after 2014. Both submitters classified the variant as uncertain significance. Based on the evidence outlined above, the variant was classified as uncertain significance.

Blueprint Genetics
Classification: Likely benign. Last evaluated: 2023-06-29. Review status: criteria provided, single submitter. Criteria: ACMG Guidelines, 2015. Collection method: clinical testing. Allele origin: germline.

CHEO Genetics Diagnostic Laboratory, Children's Hospital of Eastern Ontario
Classification: Uncertain significance for Familial thoracic aortic aneurysm and aortic dissection. Last evaluated: 2017-03-01. Review status: criteria provided, single submitter. Criteria: ACMG Guidelines, 2015. Collection method: clinical testing. Allele origin: germline. Study: Canadian Open Genetics Repository.

Ambry Genetics
Classification: Uncertain significance for Cardiovascular phenotype. Last evaluated: 2014-11-21. Review status: criteria provided, single submitter. Criteria: Ambry Autosomal Dominant and X-Linked criteria (10/2015). Collection method: clinical testing. Allele origin: germline. Observed: 1 variant allele.
Comment: There is insufficient or conflicting evidence for classification of this alteration.